The following is an entry in ClinVar:

ClinVar aggregate classification (germline): Uncertain significance (1 of 4 stars; one submission).

Conditions:
Pyruvate dehydrogenase E1-beta deficiency (PDHBD). Identifiers: Orphanet 255138, Orphanet 765, MedGen C3279841, MONDO:0013580, OMIM 614111.

Submission:

Labcorp Genetics (formerly Invitae), Labcorp
Classification: Uncertain significance for Pyruvate dehydrogenase E1-beta deficiency. Last evaluated: 2022-07-20. Review status: criteria provided, single submitter. Criteria: Invitae Variant Classification Sherloc (09022015). Collection method: clinical testing. Allele origin: germline.
Comment: This variant has not been reported in the literature in individuals affected with PDHB-related conditions. This variant is not present in population databases (gnomAD no frequency). This sequence change replaces glutamine, which is neutral and polar, with glutamic acid, which is acidic and polar, at codon 41 of the PDHB protein (p.Gln41Glu). Algorithms developed to predict the effect of missense changes on protein structure and function (SIFT, PolyPhen-2, Align-GVGD) all suggest that this variant is likely to be tolerated. In summary, the available evidence is currently insufficient to determine the role of this variant in disease. Therefore, it has been classified as a Variant of Uncertain Significance.

NM_000925.4(PDHB):c.121C>G (p.Gln41Glu)

Gene: PDHB (pyruvate dehydrogenase E1 subunit beta; minus strand). Cytogenetic location: 3p14.3.
Variant type: single nucleotide variant.
Coding change: c.121C>G on transcript NM_000925.4 (MANE Select); coding-DNA position 121, C replaced by G.
Protein change: p.Gln41Glu; replaces glutamine 41 with glutamic acid.
Molecular consequence: missense variant. On other transcripts: non-coding transcript variant (1).
Genome position (GRCh38, 1-based): chr3:58,431,960, G>C on the plus strand (C>G on the coding strand, the complement: PDHB is on the minus strand). VCF-style: chr3-58431960-G-C. GRCh37 (hg19) VCF-style: chr3-58417687-G-C.
Other names: c.121C>G, p.Gln41Glu (NM_001173468.2); c.67C>G, p.Gln23Glu (NM_001315536.2); short protein forms Q41E, Q23E.
Identifiers: ClinVar variation 2111913 (VCV002111913.4), dbSNP rs2471370449, ClinGen allele CA353364306.